The following is an entry in ClinVar:

NM_005720.4(ARPC1B):c.970C>A (p.Leu324Met)

Gene: ARPC1B (actin related protein 2/3 complex subunit 1B; plus strand). Cytogenetic location: 7q22.1.
Variant type: single nucleotide variant.
Coding change: c.970C>A on transcript NM_005720.4 (MANE Select); coding-DNA position 970, C replaced by A.
Protein change: p.Leu324Met; replaces leucine 324 with methionine.
Molecular consequence: missense variant.
Genome position (GRCh38, 1-based): chr7:99,392,857, C>A. VCF-style: chr7-99392857-C-A. GRCh37 (hg19) VCF-style: chr7-98990480-C-A.
Other names: short protein forms L324M.
Identifiers: ClinVar variation 3389259 (VCV003389259.14).

ClinVar aggregate classification (germline): Uncertain significance (1 of 4 stars; one submission).

gnomAD v4.1: 35 of 1,546,922 alleles (0.0023%); highest among the groups gnomAD compares: Non-Finnish European, 0.003%; no homozygotes.

Submission:

CeGaT Center for Human Genetics Tuebingen
Classification: Uncertain significance. Last evaluated: 2024-10-01. Review status: criteria provided, single submitter. Criteria: CeGaT Center For Human Genetics Tuebingen Variant Classification Criteria Version 2. Collection method: clinical testing. Allele origin: germline. Affected: yes. Observed: 1 variant allele.
Comment: ARPC1B: PM2